The following is an entry in ClinVar:

ClinVar aggregate classification (germline): Uncertain significance. Review status: criteria provided, multiple submitters, no conflicts (2 of 4 stars). 2 submissions from 2 submitters: Uncertain significance (2). Last evaluated 2023-06-08.

Conditions:
Developmental disorder. Identifiers: MedGen C0008073.

Allele frequency attached by ClinVar (database versions not stated): TOPMed below 0.00001.
gnomAD v4.1: 4 of 1,613,976 alleles (0.00025%); highest among the groups gnomAD compares: Non-Finnish European, 0.00034%; no homozygotes.

Submissions (2):

Department of Genetics, Rouen University Hospital, Normandy Center for Genomic and Personalized Medicine
Classification: Uncertain significance for Developmental disorder. Last evaluated: 2023-06-08. Review status: criteria provided, single submitter. Criteria: ACMG Guidelines, 2015. Collection method: clinical testing. Allele origin: unknown. Affected: yes.

Labcorp Genetics (formerly Invitae), Labcorp
Classification: Uncertain significance. Last evaluated: 2022-07-11. Review status: criteria provided, single submitter. Criteria: Invitae Variant Classification Sherloc (09022015). Collection method: clinical testing. Allele origin: germline.
Comment: In summary, the available evidence is currently insufficient to determine the role of this variant in disease. Therefore, it has been classified as a Variant of Uncertain Significance. Algorithms developed to predict the effect of missense changes on protein structure and function are either unavailable or do not agree on the potential impact of this missense change (SIFT: "Tolerated"; PolyPhen-2: "Probably Damaging"; Align-GVGD: "Class C0"). This variant has not been reported in the literature in individuals affected with SETD5-related conditions. This variant is not present in population databases (gnomAD no frequency). This sequence change replaces threonine, which is neutral and polar, with serine, which is neutral and polar, at codon 439 of the SETD5 protein (p.Thr439Ser).

NM_001080517.3(SETD5):c.1316C>G (p.Thr439Ser)

Gene: SETD5 (SET domain containing 5; plus strand). Cytogenetic location: 3p25.3.
Variant type: single nucleotide variant.
Coding change: c.1316C>G on transcript NM_001080517.3 (MANE Select); coding-DNA position 1316, C replaced by G.
Protein change: p.Thr439Ser; replaces threonine 439 with serine.
Molecular consequence: missense variant.
Genome position (GRCh38, 1-based): chr3:9,445,176, C>G. VCF-style: chr3-9445176-C-G. GRCh37 (hg19) VCF-style: chr3-9486860-C-G.
Other names: c.1022C>G (NM_001292043.1); c.1022C>G, p.Thr341Ser (NM_001292043.2, NM_001349451.2); short protein forms T341S, T439S.
Identifiers: ClinVar variation 2416368 (VCV002416368.6), dbSNP rs770427830, ClinGen allele CA351692956.
Genomic context (GRCh38, chr3:9,445,176, plus strand): 5'-ATGCTACAGAACTGCCACTCCTACCACCTCCTCCAAGCCTACCCACCATTGGAGCAGAGA[C>G]TAGACGTAGAAAAGCACGACGGAAAGAGCTAGAGATGGAGCAGCAGAATGAGGCTTCAGA-3'
Protein context (NP_001073986.1, residues 429-449): PPSLPTIGAE[Thr439Ser]RRRKARRKEL